The following is an entry in ClinVar:

ClinVar aggregate classification (germline): Uncertain significance (1 of 4 stars; one submission).

Conditions:
Long QT syndrome (LQTS). Identifiers: MedGen C0023976, MeSH D008133, MONDO:0002442. Disease mechanism: loss of function. Inheritance: Various modes of inheritance.

Submission:

Dept of Medical Biology, Uskudar University
Classification: Uncertain significance for Long QT syndrome. Last evaluated: 2024-01-08. Review status: criteria provided, single submitter. Criteria: Dept of Medical Biology Variant Classification. Collection method: research. Allele origin: paternal. Affected: yes. Observed: 1 variant allele.
Comment: Criteria: PM2, PP2, PP3

NM_001035.3(RYR2):c.5042A>G (p.Asp1681Gly)

Gene: RYR2 (ryanodine receptor 2; plus strand). Cytogenetic location: 1q43.
Variant type: single nucleotide variant.
Coding change: c.5042A>G on transcript NM_001035.3 (MANE Select); coding-DNA position 5042, A replaced by G.
Protein change: p.Asp1681Gly; replaces aspartic acid 1681 with glycine.
Molecular consequence: missense variant.
Genome position (GRCh38, 1-based): chr1:237,614,170, A>G. VCF-style: chr1-237614170-A-G. GRCh37 (hg19) VCF-style: chr1-237777470-A-G.
Other names: short protein forms D1681G.
Identifiers: ClinVar variation 2574027 (VCV002574027.3), dbSNP rs2546790923, ClinGen allele CA345403892.